The following is an entry in ClinVar:

ClinVar aggregate classification (germline): Likely pathogenic (1 of 4 stars; one submission).

Conditions:
Hypertrophic cardiomyopathy. Also called: HYPERTROPHIC MYOCARDIOPATHY. Identifiers: Orphanet 217569, MedGen C0007194, MeSH D002312, MONDO:0005045, HP:0001639.

Allele frequency attached by ClinVar (database versions not stated): gnomAD exomes below 0.00001; ExAC 0.00001.
gnomAD v4.1: 1 of 1,614,016 alleles (0.000062%); highest among the groups gnomAD compares: South Asian, 0.0011%; no homozygotes.

Submission:

Labcorp Genetics (formerly Invitae), Labcorp
Classification: Likely pathogenic for Hypertrophic cardiomyopathy. Last evaluated: 2023-11-08. Review status: criteria provided, single submitter. Criteria: Invitae Variant Classification Sherloc (09022015). Collection method: clinical testing. Allele origin: germline.
Comment: This sequence change affects an acceptor splice site in intron 24 of the MYBPC3 gene. It is expected to disrupt RNA splicing. Variants that disrupt the donor or acceptor splice site typically lead to a loss of protein function (PMID: 16199547), and loss-of-function variants in MYBPC3 are known to be pathogenic (PMID: 19574547). This variant is not present in population databases (gnomAD no frequency). Disruption of this splice site has been observed in individual(s) with hypertrophic cardiomyopathy (PMID: 16858239, 22429680, 30847666). Algorithms developed to predict the effect of sequence changes on RNA splicing suggest that this variant may disrupt the consensus splice site. In summary, the currently available evidence indicates that the variant is pathogenic, but additional data are needed to prove that conclusively. Therefore, this variant has been classified as Likely Pathogenic.

Literature cited by the submitters: PubMed 16199547; PubMed 19574547; PubMed 16858239; PubMed 22429680; PubMed 30847666.

NM_000256.3(MYBPC3):c.2414-2A>G

Gene: MYBPC3 (myosin binding protein C3; minus strand). Cytogenetic location: 11p11.2.
Variant type: single nucleotide variant.
Coding change: c.2414-2A>G on transcript NM_000256.3 (MANE Select); the canonical splice acceptor site of the intron before coding-DNA position 2414, A replaced by G.
Molecular consequence: splice acceptor variant.
Genome position (GRCh38, 1-based): chr11:47,337,581, T>C on the plus strand (A>G on the coding strand, the complement: MYBPC3 is on the minus strand). VCF-style: chr11-47337581-T-C. GRCh37 (hg19) VCF-style: chr11-47359132-T-C.
Identifiers: ClinVar variation 2735592 (VCV002735592.3), dbSNP rs751637847, ClinGen allele CA078720.